The following is an entry in ClinVar:

ClinVar aggregate classification (germline): Likely benign. Review status: criteria provided, multiple submitters, no conflicts (2 of 4 stars). 3 submissions from 3 submitters: Likely benign (3). Last evaluated 2025-03-01.

Conditions:
KBG syndrome (KBGS). Also called: ANKRD11-Related KBG Syndrome. Identifiers: Orphanet 2332, MedGen C0220687, MONDO:0007846, OMIM 148050.

Allele frequency attached by ClinVar (database versions not stated): ExAC 0.00001; gnomAD exomes 0.00001.
gnomAD v4.1: 15 of 1,613,966 alleles (0.00093%); highest among the groups gnomAD compares: African/African-American, 0.0053%; no homozygotes.

Submissions (3):

CeGaT Center for Human Genetics Tuebingen
Classification: Likely benign. Last evaluated: 2025-03-01. Review status: criteria provided, single submitter. Criteria: CeGaT Center For Human Genetics Tuebingen Variant Classification Criteria Version 2. Collection method: clinical testing. Allele origin: germline. Affected: yes. Observed: 1 variant allele.
Comment: ANKRD11: BP4, BP7

Labcorp Genetics (formerly Invitae), Labcorp
Classification: Likely benign for KBG syndrome. Last evaluated: 2024-11-10. Review status: criteria provided, single submitter. Criteria: Invitae Variant Classification Sherloc (09022015). Collection method: clinical testing. Allele origin: germline.

Blueprint Genetics
Classification: Likely benign. Last evaluated: 2024-02-09. Review status: criteria provided, single submitter. Criteria: ACMG Guidelines, 2015. Collection method: clinical testing. Allele origin: germline.

NM_013275.6(ANKRD11):c.1125G>A (p.Thr375=)

Gene: ANKRD11 (ankyrin repeat domain 11; minus strand). Cytogenetic location: 16q24.3.
Variant type: single nucleotide variant.
Coding change: c.1125G>A on transcript NM_013275.6 (MANE Select); coding-DNA position 1125, G replaced by A.
Protein change: p.Thr375=; no amino-acid change (threonine 375 retained).
Molecular consequence: synonymous variant.
Genome position (GRCh38, 1-based): chr16:89,285,417, C>T on the plus strand (G>A on the coding strand, the complement: ANKRD11 is on the minus strand). VCF-style: chr16-89285417-C-T. GRCh37 (hg19) VCF-style: chr16-89351825-C-T.
Other names: c.1125G>A, p.Thr375= (NM_001256182.2, NM_001256183.2).
Identifiers: ClinVar variation 1958180 (VCV001958180.13), dbSNP rs775965950, ClinGen allele CA8242853.